The following is an entry in ClinVar:

ClinVar aggregate classification (germline): Uncertain significance (1 of 4 stars; one submission).

Conditions:
Alstrom syndrome (ALMS). Identifiers: Orphanet 64, MedGen C0268425, MONDO:0008763, OMIM 203800.

Allele frequency attached by ClinVar (database versions not stated): TOPMed below 0.00001; gnomAD 0.00001.
gnomAD v4.1: 1 of 1,613,976 alleles (0.000062%); highest among the groups gnomAD compares: African/African-American, 0.0013%; no homozygotes.

Submission:

Labcorp Genetics (formerly Invitae), Labcorp
Classification: Uncertain significance for Alstrom syndrome. Last evaluated: 2020-03-03. Review status: criteria provided, single submitter. Criteria: Invitae Variant Classification Sherloc (09022015). Collection method: clinical testing. Allele origin: germline.
Comment: In summary, the available evidence is currently insufficient to determine the role of this variant in disease. Therefore, it has been classified as a Variant of Uncertain Significance. Experimental studies and prediction algorithms are not available or were not evaluated, and the functional significance of this variant is currently unknown. This variant has not been reported in the literature in individuals with ALMS1-related conditions. This variant is not present in population databases (ExAC no frequency). This sequence change replaces phenylalanine with valine at codon 1759 of the ALMS1 protein (p.Phe1759Val). The phenylalanine residue is weakly conserved and there is a small physicochemical difference between phenylalanine and valine.

NM_001378454.1(ALMS1):c.5272T>G (p.Phe1758Val)

Gene: ALMS1 (ALMS1 centrosome and basal body associated protein; plus strand). Cytogenetic location: 2p13.1.
Variant type: single nucleotide variant.
Coding change: c.5272T>G on transcript NM_001378454.1 (MANE Select); coding-DNA position 5272, T replaced by G.
Protein change: p.Phe1758Val; replaces phenylalanine 1758 with valine.
Molecular consequence: missense variant.
Genome position (GRCh38, 1-based): chr2:73,451,799, T>G. VCF-style: chr2-73451799-T-G. GRCh37 (hg19) VCF-style: chr2-73678926-T-G.
Other names: c.5275T>G, p.Phe1759Val (NM_015120.4); short protein forms F1759V, F1758V.
Identifiers: ClinVar variation 1044660 (VCV001044660.5), dbSNP rs1179437667, ClinGen allele CA347280622.